The following is an entry in ClinVar:

NM_001165963.4(SCN1A):c.474-2A>G

Gene: SCN1A (sodium voltage-gated channel alpha subunit 1; minus strand). Cytogenetic location: 2q24.3.
Variant type: single nucleotide variant.
Coding change: c.474-2A>G on transcript NM_001165963.4 (MANE Select); the canonical splice acceptor site of the intron before coding-DNA position 474, A replaced by G.
Molecular consequence: splice acceptor variant.
Genome position (GRCh38, 1-based): chr2:166,054,768, T>C on the plus strand (A>G on the coding strand, the complement: SCN1A is on the minus strand). VCF-style: chr2-166054768-T-C. GRCh37 (hg19) VCF-style: chr2-166911278-T-C.
Other names: c.474-2A>G (NM_001353949.2, NM_001353958.2, NM_001353950.2 and 10 more transcripts); c.-1952-2A>G (NM_001353961.2).
Identifiers: ClinVar variation 1742779 (VCV001742779.4), dbSNP rs2468248065, ClinGen allele CA349075752.

ClinVar aggregate classification (germline): Pathogenic. Review status: criteria provided, single submitter (1 of 4 stars). 2 submissions from 2 submitters: Pathogenic (1). 1 of the submissions does not count toward it. Last evaluated 2017-05-18.

Conditions:
Inborn genetic diseases. Identifiers: MedGen C0950123, MeSH D030342.
Severe myoclonic epilepsy in infancy (DRVT). Also called: SEVERE MYOCLONIC EPILEPSY OF INFANCY; DEVELOPMENTAL AND EPILEPTIC ENCEPHALOPATHY 6A; Severe Myoclonic Epilepsy in Infancy (SMEI); Dravet syndrome; Epileptic encephalopathy, early infantile, 6 (Dravet syndrome). Identifiers: Orphanet 33069, MedGen C0751122, MONDO:0100135, OMIM 607208.

Submissions (2):

Ambry Genetics
Classification: Pathogenic for Inborn genetic diseases. Last evaluated: 2017-05-18. Review status: criteria provided, single submitter. Criteria: Ambry Variant Classification Scheme 2023. Collection method: clinical testing. Allele origin: germline.
Comment: The c.474-2A>G intronic pathogenic mutation results from an A to G substitution two nucleotides upstream from coding exon 4 in the SCN1A gene. In one study, this alteration was detected as a de novo occurrence in an individual with classic Dravet syndrome (Depienne C et al. J. Med. Genet., 2009 Mar;46:183-91). In addition to the clinical data presented in the literature, alterations that disrupt the canonical splice site are expected to cause aberrant splicing, resulting in an abnormal protein or a transcript that is subject to nonsense-mediated mRNA decay. As such, this alteration is classified as a disease-causing mutation.

Pediatric Neurology Unit, Advanced Pediatrics Centre, Post Graduate Institute of Medical Education and Research
Classification: Pathogenic for Severe myoclonic epilepsy in infancy. Last evaluated: 2024-04-12. Review status: no assertion criteria provided. Collection method: clinical testing. Allele origin: germline. Affected: yes. Observed: 1 variant allele. Not counted in ClinVar's aggregate classification.

Literature cited by the submitters: PubMed 18930999 (cited by Ambry Genetics).